The following is an entry in ClinVar:

NC_000003.11:g.(?_7188119)_(7348359_?)dup

Gene: GRM7 (glutamate metabotropic receptor 7; plus strand). Cytogenetic location: 3p26.1.
Variant type: Duplication.
Identifiers: ClinVar variation 3246961 (VCV003246961.1).

ClinVar aggregate classification (germline): Likely pathogenic (1 of 4 stars; one submission).

Submission:

Labcorp Genetics (formerly Invitae), Labcorp
Classification: Likely pathogenic. Last evaluated: 2023-12-08. Review status: criteria provided, single submitter. Criteria: Invitae Variant Classification Sherloc (09022015). Collection method: clinical testing. Allele origin: unknown.
Comment: This variant results in a copy number gain of the genomic region encompassing exon(s) 2-4 of the GRM7 gene. While the exact position of this variant cannot be determined from the data, sub-genic copy number gains are generally in tandem (PMID: 25640679). This variant is predicted to be out-of-frame, and may result in an absent or disrupted protein product. Loss-of-function variants in GRM7 are known to be pathogenic (PMID: 28097321). This variant has not been reported in the literature in individuals affected with GRM7-related conditions. In summary, the currently available evidence indicates that the variant is pathogenic, but additional data are needed to prove that conclusively. Therefore, this variant has been classified as Likely Pathogenic.

Literature cited by the submitters: PubMed 25640679; PubMed 28097321.